The following is an entry in ClinVar:

ClinVar aggregate classification (germline): Uncertain significance. Review status: criteria provided, multiple submitters, no conflicts (2 of 4 stars). 2 submissions from 2 submitters: Uncertain significance (2). Last evaluated 2024-09-05.

Conditions:
Hereditary cancer-predisposing syndrome. Also called: Tumor predisposition; Hereditary Cancer Syndrome; Neoplastic Syndromes, Hereditary; Hereditary neoplastic syndrome. Identifiers: Orphanet 140162, MedGen C0027672, MeSH D009386, MONDO:0015356.

Allele frequency attached by ClinVar (database versions not stated): gnomAD exomes below 0.00001.
gnomAD v4.1: 1 of 1,614,218 alleles (0.000062%); highest among the groups gnomAD compares: Admixed American, 0.0017%; no homozygotes.

Submissions (2):

GeneDx
Classification: Uncertain significance. Last evaluated: 2024-09-05. Review status: criteria provided, single submitter. Criteria: GeneDx Variant Classification Process June 2021. Collection method: clinical testing. Allele origin: germline. Affected: yes.
Comment: Not observed at significant frequency in large population cohorts (gnomAD); In silico analysis indicates that this missense variant does not alter protein structure/function; Has not been previously published as pathogenic or benign to our knowledge; This variant is associated with the following publications: (PMID: Gordon2000[Book])

Ambry Genetics
Classification: Uncertain significance for Hereditary cancer-predisposing syndrome. Last evaluated: 2021-04-19. Review status: criteria provided, single submitter. Criteria: Ambry Variant Classification Scheme 2023. Collection method: clinical testing. Allele origin: germline.
Comment: The p.I371V variant (also known as c.1111A>G), located in coding exon 11 of the FANCC gene, results from an A to G substitution at nucleotide position 1111. The isoleucine at codon 371 is replaced by valine, an amino acid with highly similar properties. This amino acid position is not well conserved in available vertebrate species. In addition, this alteration is predicted to be tolerated by in silico analysis. Since supporting evidence is limited at this time, the clinical significance of this alteration remains unclear.

NM_000136.3(FANCC):c.1111A>G (p.Ile371Val)

Genes: AOPEP (aminopeptidase O (putative); plus strand), FANCC (FA complementation group C; minus strand). Cytogenetic location: 9q22.32.
Variant type: single nucleotide variant.
Coding change: c.1111A>G on transcript NM_000136.3 (MANE Select); coding-DNA position 1111, A replaced by G.
Protein change: p.Ile371Val; replaces isoleucine 371 with valine.
Molecular consequence: missense variant.
Genome position (GRCh38, 1-based): chr9:95,114,672, T>C on the plus strand (A>G on the coding strand, the complement: FANCC is on the minus strand). VCF-style: chr9-95114672-T-C. GRCh37 (hg19) VCF-style: chr9-97876954-T-C.
Other names: c.1111A>G, p.Ile371Val (NM_001243743.2, NM_001243744.2); short protein forms I371V.
Identifiers: ClinVar variation 1795251 (VCV001795251.3), dbSNP rs1389016226, ClinGen allele CA374107996.